The following is an entry in ClinVar:

ClinVar aggregate classification (germline): Benign (1 of 4 stars; one submission).

Conditions:
Juvenile polyposis/hereditary hemorrhagic telangiectasia syndrome (JPHT). Also called: JP/HHT SYNDROME; JUVENILE POLYPOSIS WITH HEREDITARY HEMORRHAGIC TELANGIECTASIA; POLYPOSIS, GENERALIZED JUVENILE, WITH PULMONARY ARTERIOVENOUS MALFORMATION; TELANGIECTASIA, HEREDITARY HEMORRHAGIC, WITH JUVENILE POLYPOSIS COLI; Juvenile Polyposis Syndrome / Hereditary Hemorrhagic Telangiectasia (JPS/HHT). Identifiers: Orphanet 2929, MedGen C1832942, MONDO:0008278, OMIM 175050.

Submission:

Myriad Genetics, Inc.
Classification: Benign for Juvenile polyposis/hereditary hemorrhagic telangiectasia syndrome. Last evaluated: 2025-03-18. Review status: criteria provided, single submitter. Criteria: Myriad Autosomal Dominant, Autosomal Recessive and X-Linked Classification Criteria (2023). Collection method: clinical testing. Allele origin: unknown.
Comment: This variant is considered benign. This variant is a silent/synonymous amino acid change, and it is not expected to impact splicing.

NM_005359.6(SMAD4):c.258T>C (p.Gly86=)

Gene: SMAD4 (SMAD family member 4; plus strand). Cytogenetic location: 18q21.2.
Variant type: single nucleotide variant.
Coding change: c.258T>C on transcript NM_005359.6 (MANE Select); coding-DNA position 258, T replaced by C.
Protein change: p.Gly86=; no amino-acid change (glycine 86 retained).
Molecular consequence: synonymous variant. On other transcripts: non-coding transcript variant (2).
Genome position (GRCh38, 1-based): chr18:51,048,694, T>C. VCF-style: chr18-51048694-T-C. GRCh37 (hg19) VCF-style: chr18-48575064-T-C.
Other names: c.258T>C, p.Gly86= (NM_001407041.1, NM_001407042.1, NM_001407043.1).
Identifiers: ClinVar variation 3903962 (VCV003903962.1).